The following is an entry in ClinVar:

NM_000232.5(SGCB):c.243+6T>A

Gene: SGCB (sarcoglycan beta; minus strand). Cytogenetic location: 4q12.
Variant type: single nucleotide variant.
Coding change: c.243+6T>A on transcript NM_000232.5 (MANE Select); 6 bases into the intron after coding-DNA position 243, T replaced by A.
Molecular consequence: intron variant.
Genome position (GRCh38, 1-based): chr4:52,033,425, A>T on the plus strand (T>A on the coding strand, the complement: SGCB is on the minus strand). VCF-style: chr4-52033425-A-T. GRCh37 (hg19) VCF-style: chr4-52899591-A-T.
Identifiers: ClinVar variation 516368 (VCV000516368.57), dbSNP rs146888744, ClinGen allele CA2918485.

ClinVar aggregate classification (germline): Conflicting classifications of pathogenicity. Review status: criteria provided, conflicting classifications (1 of 4 stars). 6 submissions from 6 submitters: Uncertain significance (2); Benign (2); Likely benign (2). Last evaluated 2026-01-25.

Conditions:
Autosomal recessive limb-girdle muscular dystrophy type 2E (LGMDR4). Also called: MUSCULAR DYSTROPHY, LIMB-GIRDLE, AUTOSOMAL RECESSIVE 4. Identifiers: Orphanet 119, MedGen C1858593, MONDO:0011423, OMIM 604286. Disease mechanism: Affects gamma-sarcoglycan and also disrupts the integrity of the entire sarcoglycan complex..
Qualitative or quantitative defects of beta-sarcoglycan. Identifiers: Orphanet 207063, MedGen C2930900, MONDO:0016142.

Allele frequency attached by ClinVar (database versions not stated): gnomAD 0.00026 and 0.00033; gnomAD exomes 0.00026 and 0.00087; TOPMed 0.00056; ExAC 0.00098; 1000 Genomes Project 30x 0.00156; 1000 Genomes Project 0.00180.
gnomAD v4.1: 437 of 1,579,584 alleles (0.028%); highest among the groups gnomAD compares: East Asian, 0.86%; no homozygotes.

Submissions (7):

Labcorp Genetics (formerly Invitae), Labcorp
Classification: Benign for Autosomal recessive limb-girdle muscular dystrophy type 2E. Last evaluated: 2026-01-25. Review status: criteria provided, single submitter. Criteria: Invitae Variant Classification Sherloc (09022015). Collection method: clinical testing. Allele origin: germline.

Revvity Omics, Revvity
Classification: Uncertain significance for Autosomal recessive limb-girdle muscular dystrophy type 2E. Last evaluated: 2025-03-20. Review status: criteria provided, single submitter. Criteria: ACMG Guidelines, 2015. Collection method: clinical testing. Allele origin: germline.

Blueprint Genetics
Classification: Likely benign. Last evaluated: 2024-11-05. Review status: criteria provided, single submitter. Criteria: ACMG Guidelines, 2015. Collection method: clinical testing. Allele origin: germline.

GeneDx
Classification: Uncertain significance. Last evaluated: 2022-10-05. Review status: criteria provided, single submitter. Criteria: GeneDx Variant Classification Process June 2021. Collection method: clinical testing. Allele origin: germline. Affected: yes.
Comment: Published functional studies suggest a damaging effect, as the c.243+6>A variant disrupts the natural donor splice site of exon 2 and activates a cryptic splice site in intron 2, resulting in a frameshift due to an inclusion of 10 base pairs of intron 2 (Xie et al., 2022); In silico analysis supports a deleterious effect on splicing; This variant is associated with the following publications: (PMID: 35813381)

Illumina Laboratory Services, Illumina
Classification: Benign for Qualitative or quantitative defects of beta-sarcoglycan. Last evaluated: 2017-04-27. Review status: criteria provided, single submitter. Criteria: ICSL Variant Classification Criteria 13 December 2019. Collection method: clinical testing. Allele origin: germline.
Comment: This variant was observed as part of a predisposition screen in an ostensibly healthy population. A literature search was performed for the gene, cDNA change, and amino acid change (where applicable). No publications were found based on this search. Allele frequency data from public databases was too high to be consistent with this variant causing disease. Therefore, this variant is classified as benign.

Breakthrough Genomics
Classification: Likely benign. Review status: criteria provided, single submitter. Criteria: ACMG Guidelines, 2015. Collection method: not provided. Allele origin: germline. Inheritance: Autosomal recessive inheritance. Affected: yes.

Dr. Peter K. Rogan Lab, Western University
No classification provided (evidence only). Condition: Hepatocellular carcinoma. Review status: no classification provided. Collection method: in vitro. Allele origin: not applicable. Functional consequence: skipped exon, retained intron. Not counted in ClinVar's aggregate classification.